The following is an entry in ClinVar:

ClinVar aggregate classification (germline): Uncertain significance (1 of 4 stars; one submission).

Allele frequency attached by ClinVar (database versions not stated): gnomAD 0.00001; gnomAD exomes 0.00001; TOPMed 0.00001.

Submission:

Ambry Genetics
Classification: Uncertain significance. Last evaluated: 2024-04-11. Review status: criteria provided, single submitter. Criteria: Ambry Variant Classification Scheme 2023. Collection method: clinical testing. Allele origin: germline.
Comment: The p.N773S variant (also known as c.2318A>G), located in coding exon 15 of the POLQ gene, results from an A to G substitution at nucleotide position 2318. The asparagine at codon 773 is replaced by serine, an amino acid with highly similar properties. This amino acid position is conserved. In addition, this alteration is predicted to be tolerated by in silico analysis. Since supporting evidence is limited at this time, the clinical significance of this alteration remains unclear.

NM_199420.4(POLQ):c.2318A>G (p.Asn773Ser)

Gene: POLQ (DNA polymerase theta; minus strand). Cytogenetic location: 3q13.33.
Variant type: single nucleotide variant.
Coding change: c.2318A>G on transcript NM_199420.4 (MANE Select); coding-DNA position 2318, A replaced by G.
Protein change: p.Asn773Ser; replaces asparagine 773 with serine.
Molecular consequence: missense variant.
Genome position (GRCh38, 1-based): chr3:121,493,682, T>C on the plus strand (A>G on the coding strand, the complement: POLQ is on the minus strand). VCF-style: chr3-121493682-T-C. GRCh37 (hg19) VCF-style: chr3-121212529-T-C.
Other names: short protein forms N773S.
Identifiers: ClinVar variation 1789510 (VCV001789510.3), dbSNP rs1375007013, ClinGen allele CA354108225.